The following is an entry in ClinVar:

NM_001458.5(FLNC):c.1453C>T (p.Gln485Ter)

Gene: FLNC (filamin C; plus strand). Cytogenetic location: 7q32.1.
Variant type: single nucleotide variant.
Coding change: c.1453C>T on transcript NM_001458.5 (MANE Select); coding-DNA position 1453, C replaced by T.
Protein change: p.Gln485Ter; replaces glutamine 485 with a stop codon.
Molecular consequence: nonsense.
Genome position (GRCh38, 1-based): chr7:128,840,064, C>T. VCF-style: chr7-128840064-C-T. GRCh37 (hg19) VCF-style: chr7-128480118-C-T.
Other names: c.1453C>T, p.Gln485Ter (NM_001127487.2); short protein forms Q485*.
Identifiers: ClinVar variation 1707635 (VCV001707635.3), dbSNP rs2536624682, ClinGen allele CA369225552.

ClinVar aggregate classification (germline): Pathogenic. Review status: criteria provided, single submitter (1 of 4 stars). 2 submissions from 2 submitters: Pathogenic (1). 1 of the submissions does not count toward it. Last evaluated 2025-10-17.

Conditions:
Myofibrillar myopathy 5. Also called: Filaminopathy (type); FILAMINOPATHY, AUTOSOMAL DOMINANT. Identifiers: Orphanet 171445, MedGen C1836050, MONDO:0012289, OMIM 609524.
Distal myopathy with posterior leg and anterior hand involvement. Also called: WILLIAMS DISTAL MYOPATHY. Identifiers: Orphanet 63273, MedGen C3279722, MONDO:0013550, OMIM 614065.
Hypertrophic cardiomyopathy 26. Also called: Cardiomyopathy, familial hypertrophic, 26. Identifiers: Orphanet 75249, MedGen C4310749, MONDO:0014883, OMIM 617047.
Tetralogy of Fallot (TOF). Identifiers: Orphanet 3303, MedGen C0039685, MONDO:0008542, OMIM 187500, HP:0001636.

Allele frequency attached by ClinVar (database versions not stated): gnomAD exomes below 0.00001.
gnomAD v4.1: 1 of 1,614,092 alleles (0.000062%); no homozygotes.

Submissions (2):

Labcorp Genetics (formerly Invitae), Labcorp
Classification: Pathogenic for Distal myopathy with posterior leg and anterior hand involvement; Myofibrillar myopathy 5; Hypertrophic cardiomyopathy 26. Last evaluated: 2025-10-17. Review status: criteria provided, single submitter. Criteria: Invitae Variant Classification Sherloc (09022015). Collection method: clinical testing. Allele origin: germline.
Comment: This sequence change creates a premature translational stop signal (p.Gln485*) in the FLNC gene. It is expected to result in an absent or disrupted protein product. Loss-of-function variants in FLNC are known to be pathogenic (PMID: 27908349). This variant is not present in population databases (gnomAD no frequency). This variant has not been reported in the literature in individuals affected with FLNC-related conditions. ClinVar contains an entry for this variant (Variation ID: 1707635). For these reasons, this variant has been classified as Pathogenic.

Dept of Reproduction and Endocrinology, The Sixth Affiliated Hospital of Sun Yat-sen University
Classification: Pathogenic for Tetralogy of Fallot. Last evaluated: 2022-09-30. Review status: no assertion criteria provided. Collection method: clinical testing. Allele origin: maternal. Inheritance: Autosomal dominant inheritance. Affected: yes. Not counted in ClinVar's aggregate classification.
Comment: The Gln485Ter variant in FLNC has not been reported. This sequence change creates a premature translational stop signal (p.Gln485Ter) in the FLNC gene. It is expected to result in an absent or disrupted protein product. Loss-of-function variants in FLNC are known to be pathogenic (PMID: 27908349). This variant is not present in population databases (ExAC no frequency). In vitro functional studies, FLNC mutant and wild-type expression vectors were used to transiently transfect cardiomyocytes. Western blot analysis revealed a wild-type 289 kDa FLNC protein and a 70 kDa mutant protein. Immunofluorescence analysis indicated that the expression of the mutant FLNC species was attenuated compared with that of the wild-type. In summary, the Gln485Ter variant meets our criteria to be classified as pathogenic based upon segregation studies, absence from controls, and functional evidence.

Literature cited by the submitters: PubMed 27908349 (cited by Labcorp Genetics (formerly Invitae), Labcorp and Dept of Reproduction and Endocrinology, The Sixth Affiliated Hospital of Sun Yat-sen University).